The following is an entry in ClinVar:

ClinVar aggregate classification (germline): Uncertain significance (1 of 4 stars; one submission).

Conditions:
Cardiovascular phenotype. Identifiers: MedGen CN230736.

Allele frequency attached by ClinVar (database versions not stated): ExAC 0.00001; gnomAD exomes 0.00002.

Submission:

Ambry Genetics
Classification: Uncertain significance for Cardiovascular phenotype. Last evaluated: 2024-01-17. Review status: criteria provided, single submitter. Criteria: Ambry Variant Classification Scheme 2023. Collection method: clinical testing. Allele origin: germline.
Comment: The p.T377P variant (also known as c.1129A>C), located in coding exon 7 of the PCSK9 gene, results from an A to C substitution at nucleotide position 1129. The threonine at codon 377 is replaced by proline, an amino acid with highly similar properties. This amino acid position is conserved. In addition, this alteration is predicted to be tolerated by in silico analysis. Based on the available evidence, the clinical significance of this alteration remains unclear.

NM_174936.4(PCSK9):c.1129A>C (p.Thr377Pro)

Gene: PCSK9 (proprotein convertase subtilisin/kexin type 9; plus strand). Cytogenetic location: 1p32.3.
Variant type: single nucleotide variant.
Coding change: c.1129A>C on transcript NM_174936.4 (MANE Select); coding-DNA position 1129, A replaced by C.
Protein change: p.Thr377Pro; replaces threonine 377 with proline.
Molecular consequence: missense variant. On other transcripts: non-coding transcript variant (8).
Genome position (GRCh38, 1-based): chr1:55,057,463, A>C. VCF-style: chr1-55057463-A-C. GRCh37 (hg19) VCF-style: chr1-55523136-A-C.
Other names: c.1252A>C, p.Thr418Pro (NM_001407240.1); c.1129A>C, p.Thr377Pro (NM_001407241.1, NM_001407244.1, NM_001407247.1); c.1132A>C, p.Thr378Pro (NM_001407242.1); c.1072A>C, p.Thr358Pro (NM_001407243.1); c.937A>C, p.Thr313Pro (NM_001407245.1); c.754A>C, p.Thr252Pro (NM_001407246.1); short protein forms T252P, T313P, T358P, T377P, T378P, T418P.
Identifiers: ClinVar variation 3229292 (VCV003229292.1), dbSNP rs773242558, ClinGen allele CA035261.
Genomic context (GRCh38, chr1:55,057,463, plus strand): 5'-CGCTGTGTGGACCTCTTTGCCCCAGGGGAGGACATCATTGGTGCCTCCAGCGACTGCAGC[A>C]CCTGCTTTGTGTCACAGAGTGGGACATCACAGGCTGCTGCCCACGTGGCTGGTAAGTCAC-3'
Protein context (NP_777596.2, residues 367-387): DIIGASSDCS[Thr377Pro]CFVSQSGTSQ